The following is an entry in ClinVar:

ClinVar aggregate classification (germline): Likely benign. Review status: criteria provided, multiple submitters, no conflicts (2 of 4 stars). 7 submissions from 7 submitters: Likely benign (6). 1 of the submissions does not count toward it. Last evaluated 2026-04-06.

Conditions:
Cardiovascular phenotype. Identifiers: MedGen CN230736.
ZNF469-related disorder. Also called: ZNF469-related condition.

Allele frequency attached by ClinVar (database versions not stated): TOPMed 0.00087; gnomAD 0.00092 and 0.00082; gnomAD exomes 0.00008 and 0.00019; 1000 Genomes Project 30x 0.00016.
gnomAD v4.1: 229 of 1,535,812 alleles (0.015%); highest among the groups gnomAD compares: African/African-American, 0.3%; no homozygotes.

Submissions (7):

Women's Health and Genetics/Laboratory Corporation of America, LabCorp
Classification: Likely benign. Last evaluated: 2026-04-06. Review status: criteria provided, single submitter. Criteria: LabCorp Variant Classification Summary - May 2015. Collection method: clinical testing. Allele origin: germline.

Labcorp Genetics (formerly Invitae), Labcorp
Classification: Likely benign. Last evaluated: 2025-12-23. Review status: criteria provided, single submitter. Criteria: Invitae Variant Classification Sherloc (09022015). Collection method: clinical testing. Allele origin: germline.

Mayo Clinic Laboratories, Mayo Clinic
Classification: Likely benign. Last evaluated: 2025-10-22. Review status: criteria provided, single submitter. Criteria: ACMG Guidelines, 2015. Collection method: clinical testing. Allele origin: germline. Observed: 3 variant alleles.
Comment: BS1, BP4, BP7

CeGaT Center for Human Genetics Tuebingen
Classification: Likely benign. Last evaluated: 2024-06-01. Review status: criteria provided, single submitter. Criteria: CeGaT Center For Human Genetics Tuebingen Variant Classification Criteria Version 2. Collection method: clinical testing. Allele origin: germline. Affected: yes. Observed: 1 variant allele.
Comment: ZNF469: BP4, BP7

Ambry Genetics
Classification: Likely benign for Cardiovascular phenotype. Last evaluated: 2022-03-19. Review status: criteria provided, single submitter. Criteria: Ambry Variant Classification Scheme 2023. Collection method: clinical testing. Allele origin: germline.

GeneDx
Classification: Likely benign. Last evaluated: 2022-01-21. Review status: criteria provided, single submitter. Criteria: GeneDx Variant Classification Process June 2021. Collection method: clinical testing. Allele origin: germline. Affected: yes.

PreventionGenetics, part of Exact Sciences
Classification: Likely benign for ZNF469-related condition. Last evaluated: 2019-10-11. Review status: no assertion criteria provided. Collection method: clinical testing. Allele origin: germline. Not counted in ClinVar's aggregate classification.
Comment: This variant is classified as likely benign based on ACMG/AMP sequence variant interpretation guidelines (Richards et al. 2015 PMID: 25741868, with internal and published modifications).

NM_001367624.2(ZNF469):c.3480G>C (p.Gly1160=)

Gene: ZNF469 (zinc finger protein 469; plus strand). Cytogenetic location: 16q24.2.
Variant type: single nucleotide variant.
Coding change: c.3480G>C on transcript NM_001367624.2 (MANE Select); coding-DNA position 3480, G replaced by C.
Protein change: p.Gly1160=; no amino-acid change (glycine 1160 retained).
Molecular consequence: synonymous variant.
Genome position (GRCh38, 1-based): chr16:88,430,950, G>C. VCF-style: chr16-88430950-G-C. GRCh37 (hg19) VCF-style: chr16-88497358-G-C.
Other names: NM_001127464.1:c.3396G>C; NM_001127464.2:c.3396G>C; p.Gly1160=.
Identifiers: ClinVar variation 511110 (VCV000511110.36), dbSNP rs747150324, ClinGen allele CA286374915.
Genomic context (GRCh38, chr16:88,430,950, plus strand): 5'-GGCGGCGAGGCAGGAAGCCGGCGGGGACGGAGCCCCCGCGAACCCCGAGGAGCCGGGCGG[G>C]TCTCGCCCGGGCCCCGGCAGGAGCCCTCAGGCCCGTGGCCCGTCTCGAAGCCTGGAGACG-3'
Protein context (NP_001354553.1, residues 1150-1170): GAPANPEEPG[Gly1160=]SRPGPGRSPQ